The following is an entry in ClinVar:

NC_000005.10:g.112849696A>C

Variant type: single nucleotide variant.
Genome position: GRCh38 VCF-style: chr5-112849696-A-C. GRCh37 (hg19) VCF-style: chr5-112185393-A-C.
Identifiers: ClinVar variation 83292 (VCV000083292.3), dbSNP rs565453, ClinGen allele CA250984.
Genomic context (GRCh38, chr5:112,849,696, plus strand): 5'-GAGGTAGCCCACAGGATCTGTATGAGGACTAGAAAATCAGCCTTAGAAACTGATTTTTCT[A>C]AGTGGATATTGTTTCACAGTGGAAACAATATCCAAACCATACTGTGAGACTGCAGTAAAG-3'

ClinVar aggregate classification (germline): other (0 of 4 stars; one submission).

Conditions:
Familial colorectal cancer. Identifiers: MedGen CN280943, MONDO:0023113. Disease mechanism: loss of function.

Submission:

Systems Biology Platform Zhejiang California International NanoSystems Institute
Classification: other for Familial colorectal cancer. Review status: no assertion criteria provided. Collection method: not provided. Allele origin: unknown.
ClinVar note: Converted during submission from cancer to other.